The following is an entry in ClinVar:

ClinVar aggregate classification (germline): Uncertain significance (1 of 4 stars; one submission).

Conditions:
CHARGE syndrome (CHARGE). Also called: Hittner Hirsch Kreh syndrome; CHARGE ASSOCIATION--COLOBOMA, HEART ANOMALY, CHOANAL ATRESIA, RETARDATION, GENITAL AND EAR ANOMALIES; Coloboma, heart anomaly, choanal atresia, retardation, genital and ear anomalies; CHARGE association; Hall-Hittner syndrome. Identifiers: Orphanet 138, MedGen C0265354, MONDO:0008965.

Allele frequency attached by ClinVar (database versions not stated): gnomAD exomes below 0.00001.
gnomAD v4.1: 1 of 1,584,778 alleles (0.000063%); highest among the groups gnomAD compares: Non-Finnish European, 0.000086%; no homozygotes.

Submission:

Labcorp Genetics (formerly Invitae), Labcorp
Classification: Uncertain significance for CHARGE syndrome. Last evaluated: 2023-04-12. Review status: criteria provided, single submitter. Criteria: Invitae Variant Classification Sherloc (09022015). Collection method: clinical testing. Allele origin: germline.
Comment: This sequence change replaces aspartic acid, which is acidic and polar, with histidine, which is basic and polar, at codon 635 of the CHD7 protein (p.Asp635His). This variant is not present in population databases (gnomAD no frequency). In summary, the available evidence is currently insufficient to determine the role of this variant in disease. Therefore, it has been classified as a Variant of Uncertain Significance. Advanced modeling of protein sequence and biophysical properties (such as structural, functional, and spatial information, amino acid conservation, physicochemical variation, residue mobility, and thermodynamic stability) performed at Invitae indicates that this missense variant is not expected to disrupt CHD7 protein function. This variant has not been reported in the literature in individuals affected with CHD7-related conditions.

NM_017780.4(CHD7):c.1903G>C (p.Asp635His)

Genes: CHD7 (chromodomain helicase DNA binding protein 7; plus strand), LOC126860403 (CDK7 strongly-dependent group 2 enhancer GRCh37_chr8:61693034-61694233; plus strand). Cytogenetic location: 8q12.2.
Variant type: single nucleotide variant.
Coding change: c.1903G>C on transcript NM_017780.4 (MANE Select); coding-DNA position 1903, G replaced by C.
Protein change: p.Asp635His; replaces aspartic acid 635 with histidine.
Molecular consequence: missense variant. On other transcripts: intron variant (1).
Genome position (GRCh38, 1-based): chr8:60,781,237, G>C. VCF-style: chr8-60781237-G-C. GRCh37 (hg19) VCF-style: chr8-61693796-G-C.
Other names: c.1716+187G>C (NM_001316690.1); short protein forms D635H.
Identifiers: ClinVar variation 2855387 (VCV002855387.3), dbSNP rs2487539015, ClinGen allele CA371312922.
Genomic context (GRCh38, chr8:60,781,237, plus strand): 5'-TTTGGTAAAGATGACTTCCCTGGTGGGGTAGATAACCAAGAACTAAATAGGAACTCACTG[G>C]ATGGGTCCCAAGAAGAAAAAAAGAAAAAGAAAAGGTCAAAGGCAAAAAAAGACCCGAAGG-3'
Protein context (NP_060250.2, residues 625-645): DNQELNRNSL[Asp635His]GSQEEKKKKK